The following is an entry in ClinVar:

ClinVar aggregate classification (germline): Uncertain significance (1 of 4 stars; one submission).

Conditions:
Hypertrophic cardiomyopathy. Also called: HYPERTROPHIC MYOCARDIOPATHY. Identifiers: Orphanet 217569, MedGen C0007194, MeSH D002312, MONDO:0005045, HP:0001639.

Submission:

Labcorp Genetics (formerly Invitae), Labcorp
Classification: Uncertain significance for Hypertrophic cardiomyopathy. Last evaluated: 2020-01-23. Review status: criteria provided, single submitter. Criteria: Invitae Variant Classification Sherloc (09022015). Collection method: clinical testing. Allele origin: germline.
Comment: In summary, the available evidence is currently insufficient to determine the role of this variant in disease. Therefore, it has been classified as a Variant of Uncertain Significance. Algorithms developed to predict the effect of missense changes on protein structure and function (SIFT, PolyPhen-2, Align-GVGD) all suggest that this variant is likely to be disruptive, but these predictions have not been confirmed by published functional studies and their clinical significance is uncertain. This variant has not been reported in the literature in individuals with MYBPC3-related conditions. This variant is not present in population databases (ExAC no frequency). This sequence change replaces valine with isoleucine at codon 568 of the MYBPC3 protein (p.Val568Ile). The valine residue is highly conserved and there is a small physicochemical difference between valine and isoleucine.

NM_000256.3(MYBPC3):c.1702G>A (p.Val568Ile)

Gene: MYBPC3 (myosin binding protein C3; minus strand). Cytogenetic location: 11p11.2.
Variant type: single nucleotide variant.
Coding change: c.1702G>A on transcript NM_000256.3 (MANE Select); coding-DNA position 1702, G replaced by A.
Protein change: p.Val568Ile; replaces valine 568 with isoleucine.
Molecular consequence: missense variant.
Genome position (GRCh38, 1-based): chr11:47,342,079, C>T on the plus strand (G>A on the coding strand, the complement: MYBPC3 is on the minus strand). VCF-style: chr11-47342079-C-T. GRCh37 (hg19) VCF-style: chr11-47363630-C-T.
Other names: short protein forms V568I.
Identifiers: ClinVar variation 1003799 (VCV001003799.9), dbSNP rs2095889216, ClinGen allele CA380324339.